The following is an entry in ClinVar:

ClinVar aggregate classification (germline): Uncertain significance (1 of 4 stars; one submission).

gnomAD v4.1: 1 of 1,475,736 alleles (0.000068%); highest among the groups gnomAD compares: African/African-American, 0.0015%; no homozygotes.

Submission:

GeneDx
Classification: Uncertain significance. Last evaluated: 2024-08-02. Review status: criteria provided, single submitter. Criteria: GeneDx Variant Classification Process June 2021. Collection method: clinical testing. Allele origin: germline. Affected: yes.
Comment: Not observed at significant frequency in large population cohorts (gnomAD); In silico analysis indicates that this missense variant does not alter protein structure/function; Has not been previously published as pathogenic or benign to our knowledge

NM_003718.5(CDK13):c.122T>G (p.Leu41Trp)

Gene: CDK13 (cyclin dependent kinase 13; plus strand). Cytogenetic location: 7p14.1.
Variant type: single nucleotide variant.
Coding change: c.122T>G on transcript NM_003718.5 (MANE Select); coding-DNA position 122, T replaced by G.
Protein change: p.Leu41Trp; replaces leucine 41 with tryptophan.
Molecular consequence: missense variant.
Genome position (GRCh38, 1-based): chr7:39,950,763, T>G. VCF-style: chr7-39950763-T-G. GRCh37 (hg19) VCF-style: chr7-39990362-T-G.
Other names: c.122T>G, p.Leu41Trp (NM_031267.4); short protein forms L41W.
Identifiers: ClinVar variation 3602155 (VCV003602155.1).